The following is an entry in ClinVar:

NM_018671.5(UNC45A):c.2243T>C (p.Leu748Pro)

Gene: UNC45A (unc-45 myosin chaperone A; plus strand). Cytogenetic location: 15q26.1.
Variant type: single nucleotide variant.
Coding change: c.2243T>C on transcript NM_018671.5 (MANE Select); coding-DNA position 2243, T replaced by C.
Protein change: p.Leu748Pro; replaces leucine 748 with proline.
Molecular consequence: missense variant.
Genome position (GRCh38, 1-based): chr15:90,950,555, T>C. VCF-style: chr15-90950555-T-C. GRCh37 (hg19) VCF-style: chr15-91493785-T-C.
Other names: c.2198T>C, p.Leu733Pro (NM_001039675.2, NM_001323621.2); c.2243T>C, p.Leu748Pro (NM_001323619.1); c.1808T>C, p.Leu603Pro (NM_001323620.2); short protein forms L603P, L733P, L748P.
Identifiers: ClinVar variation 2417660 (VCV002417660.6), dbSNP rs755410702, ClinGen allele CA7743220.

ClinVar aggregate classification (germline): Uncertain significance (1 of 4 stars; one submission).

Allele frequency attached by ClinVar (database versions not stated): ExAC 0.00001; gnomAD 0.00001; TOPMed 0.00002; gnomAD exomes 0.00003.

Submission:

Labcorp Genetics (formerly Invitae), Labcorp
Classification: Uncertain significance. Last evaluated: 2022-03-29. Review status: criteria provided, single submitter. Criteria: Invitae Variant Classification Sherloc (09022015). Collection method: clinical testing. Allele origin: germline.
Comment: In summary, the available evidence is currently insufficient to determine the role of this variant in disease. Therefore, it has been classified as a Variant of Uncertain Significance. Algorithms developed to predict the effect of missense changes on protein structure and function are either unavailable or do not agree on the potential impact of this missense change (SIFT: "Not Available"; PolyPhen-2: "Probably Damaging"; Align-GVGD: "Not Available"). This variant has not been reported in the literature in individuals affected with UNC45A-related conditions. This variant is present in population databases (rs755410702, gnomAD 0.004%). This sequence change replaces leucine, which is neutral and non-polar, with proline, which is neutral and non-polar, at codon 748 of the UNC45A protein (p.Leu748Pro).